The following is an entry in ClinVar:

ClinVar aggregate classification (germline): Likely pathogenic (1 of 4 stars; one submission).

Conditions:
Aicardi-Goutieres syndrome 3. Identifiers: Orphanet 51, MedGen C1835916, MONDO:0012471, OMIM 610329.

Allele frequency attached by ClinVar (database versions not stated): gnomAD exomes below 0.00001.
gnomAD v4.1: 2 of 1,614,202 alleles (0.00012%); highest among the groups gnomAD compares: Non-Finnish European, 0.00017%; no homozygotes.

Submission:

Laboratory of Medical Genetics, National & Kapodistrian University of Athens
Classification: Likely pathogenic for Aicardi-Goutieres syndrome 3. Last evaluated: 2021-10-01. Review status: criteria provided, single submitter. Criteria: ACMG Guidelines, 2015. Collection method: clinical testing. Allele origin: unknown. Affected: yes.
Comment: PM2, PM5, PP3, PP5

Literature cited by the submitters: PubMed 34008892.

NM_032193.4(RNASEH2C):c.412C>T (p.Pro138Ser)

Gene: RNASEH2C (ribonuclease H2 subunit C; minus strand). Cytogenetic location: 11q13.1.
Variant type: single nucleotide variant.
Coding change: c.412C>T on transcript NM_032193.4 (MANE Select); coding-DNA position 412, C replaced by T.
Protein change: p.Pro138Ser; replaces proline 138 with serine.
Molecular consequence: missense variant.
Genome position (GRCh38, 1-based): chr11:65,720,101, G>A on the plus strand (C>T on the coding strand, the complement: RNASEH2C is on the minus strand). VCF-style: chr11-65720101-G-A. GRCh37 (hg19) VCF-style: chr11-65487572-G-A.
Other names: short protein forms P138S.
Identifiers: ClinVar variation 1299509 (VCV001299509.1), dbSNP rs77834781, ClinGen allele CA223999307.